The following is an entry in ClinVar:

NM_001042492.3(NF1):c.1687C>A (p.Pro563Thr)

Gene: NF1 (neurofibromin 1; plus strand). Cytogenetic location: 17q11.2.
Variant type: single nucleotide variant.
Coding change: c.1687C>A on transcript NM_001042492.3 (MANE Select); coding-DNA position 1687, C replaced by A.
Protein change: p.Pro563Thr; replaces proline 563 with threonine.
Molecular consequence: missense variant.
Genome position (GRCh38, 1-based): chr17:31,221,895, C>A. VCF-style: chr17-31221895-C-A. GRCh37 (hg19) VCF-style: chr17-29548913-C-A.
Other names: c.1687C>A, p.Pro563Thr (NM_000267.4, NM_001128147.3); short protein forms P563T.
Identifiers: ClinVar variation 3238429 (VCV003238429.1), dbSNP rs2066928705.

ClinVar aggregate classification (germline): Uncertain significance (1 of 4 stars; one submission).

Conditions:
Hereditary cancer-predisposing syndrome. Also called: Neoplastic Syndromes, Hereditary; Tumor predisposition; Hereditary neoplastic syndrome; Hereditary Cancer Syndrome. Identifiers: Orphanet 140162, MedGen C0027672, MeSH D009386, MONDO:0015356.
Cardiovascular phenotype. Identifiers: MedGen CN230736.

Submission:

Ambry Genetics
Classification: Uncertain significance for Cardiovascular phenotype; Hereditary cancer-predisposing syndrome. Last evaluated: 2024-02-21. Review status: criteria provided, single submitter. Criteria: Ambry Variant Classification Scheme 2023. Collection method: clinical testing. Allele origin: germline.
Comment: The p.P563T variant (also known as c.1687C>A), located in coding exon 15 of the NF1 gene, results from a C to A substitution at nucleotide position 1687. The proline at codon 563 is replaced by threonine, an amino acid with highly similar properties. This amino acid position is conserved. In addition, the in silico prediction for this alteration is inconclusive. Based on the available evidence, the clinical significance of this alteration remains unclear.